The following is an entry in ClinVar:

ClinVar aggregate classification (germline): Pathogenic (1 of 4 stars; one submission).

Conditions:
Familial focal epilepsy with variable foci (FPEVF). Identifiers: Orphanet 98820, MedGen C1858477, MONDO:0020310.

Submission:

Labcorp Genetics (formerly Invitae), Labcorp
Classification: Pathogenic for Familial focal epilepsy with variable foci. Last evaluated: 2022-09-01. Review status: criteria provided, single submitter. Criteria: Invitae Variant Classification Sherloc (09022015). Collection method: clinical testing. Allele origin: germline.
Comment: For these reasons, this variant has been classified as Pathogenic. ClinVar contains an entry for this variant (Variation ID: 1071236). This variant has not been reported in the literature in individuals affected with DEPDC5-related conditions. This variant is not present in population databases (gnomAD no frequency). This sequence change creates a premature translational stop signal (p.Glu288Asnfs*48) in the DEPDC5 gene. It is expected to result in an absent or disrupted protein product. Loss-of-function variants in DEPDC5 are known to be pathogenic (PMID: 23542697, 23542701).

Literature cited by the submitters: PubMed 23542697; PubMed 23542701.

NM_001242896.3(DEPDC5):c.862del (p.Glu288fs)

Gene: DEPDC5 (DEP domain containing 5, GATOR1 subcomplex subunit; plus strand). Cytogenetic location: 22q12.2.
Variant type: Deletion.
Coding change: c.862del on transcript NM_001242896.3 (MANE Select); coding-DNA position 862, one base deleted (G; older notation c.862delG).
Protein change: p.Glu288fs; shifts the reading frame from glutamic acid 288.
Molecular consequence: frameshift variant. On other transcripts: non-coding transcript variant (5).
Genome position (GRCh38, 1-based): chr22:31,797,694, G deleted; the last of 2 consecutive G bases (chr22:31,797,693-31,797,694); deleting either gives the same sequence. VCF-style (leftmost placement, unchanged base first): chr22-31797692-TG-T. GRCh37 (hg19) VCF-style: chr22-32193678-TG-T.
Other names: c.862del, p.Glu288fs (NM_001007188.4, NM_001136029.4, NM_001242897.2 and 7 more transcripts); c.778del, p.Glu260fs (NM_001369901.1, NM_001369902.1); short protein forms E260fs, E288fs.
Identifiers: ClinVar variation 1071236 (VCV001071236.7), dbSNP rs2148575334, ClinGen allele CA2499226144.